The following is an entry in ClinVar:

ClinVar aggregate classification (germline): Uncertain significance. Review status: criteria provided, multiple submitters, no conflicts (2 of 4 stars). 3 submissions from 3 submitters: Uncertain significance (3). Last evaluated 2025-09-08.

Allele frequency attached by ClinVar (database versions not stated): TOPMed 0.00001; ExAC 0.00002; gnomAD exomes 0.00003 and 0.00005; gnomAD 0.00004.
gnomAD v4.1: 49 of 1,614,002 alleles (0.003%); highest among the groups gnomAD compares: Middle Eastern, 0.016%; no homozygotes.

Submissions (3):

Labcorp Genetics (formerly Invitae), Labcorp
Classification: Uncertain significance. Last evaluated: 2025-09-08. Review status: criteria provided, single submitter. Criteria: Invitae Variant Classification Sherloc (09022015). Collection method: clinical testing. Allele origin: germline.
Comment: This sequence change replaces valine, which is neutral and non-polar, with aspartic acid, which is acidic and polar, at codon 270 of the TF protein (p.Val270Asp). This variant is present in population databases (rs200512772, gnomAD 0.01%). This variant has not been reported in the literature in individuals affected with TF-related conditions. ClinVar contains an entry for this variant (Variation ID: 809547). Invitae Evidence Modeling of protein sequence and biophysical properties (such as structural, functional, and spatial information, amino acid conservation, physicochemical variation, residue mobility, and thermodynamic stability) indicates that this missense variant is expected to disrupt TF protein function with a positive predictive value of 80%. In summary, the available evidence is currently insufficient to determine the role of this variant in disease. Therefore, it has been classified as a Variant of Uncertain Significance.

Ambry Genetics
Classification: Uncertain significance. Last evaluated: 2025-08-22. Review status: criteria provided, single submitter. Criteria: Ambry Variant Classification Scheme 2023. Collection method: clinical testing. Allele origin: germline.

CeGaT Center for Human Genetics Tuebingen
Classification: Uncertain significance. Last evaluated: 2019-04-01. Review status: criteria provided, single submitter. Criteria: CeGaT Center For Human Genetics Tuebingen Variant Classification Criteria Version 2. Collection method: clinical testing. Allele origin: germline. Affected: yes. Observed: 1 variant allele.

NM_001063.4(TF):c.809T>A (p.Val270Asp)

Gene: TF (transferrin; plus strand). Cytogenetic location: 3q22.1.
Variant type: single nucleotide variant.
Coding change: c.809T>A on transcript NM_001063.4 (MANE Select); coding-DNA position 809, T replaced by A.
Protein change: p.Val270Asp; replaces valine 270 with aspartic acid.
Molecular consequence: missense variant.
Genome position (GRCh38, 1-based): chr3:133,756,948, T>A. VCF-style: chr3-133756948-T-A. GRCh37 (hg19) VCF-style: chr3-133475792-T-A.
Other names: c.809T>A (NM_001063.3); c.677T>A, p.Val226Asp (NM_001354703.2); c.428T>A, p.Val143Asp (NM_001354704.2); short protein forms V226D, V143D, V270D.
Identifiers: ClinVar variation 809547 (VCV000809547.45), dbSNP rs200512772, ClinGen allele CA2625102.